The following is an entry in ClinVar:

ClinVar aggregate classification (germline): Uncertain significance (1 of 4 stars; one submission).

Conditions:
Arrhythmogenic right ventricular dysplasia 13. Also called: Arrhythmogenic right ventricular dysplasia, familial, 13; ARRHYTHMOGENIC RIGHT VENTRICULAR CARDIOMYOPATHY 13. Identifiers: MedGen C3810138, MONDO:0000908, OMIM 615616.

Submission:

Labcorp Genetics (formerly Invitae), Labcorp
Classification: Uncertain significance for Arrhythmogenic right ventricular dysplasia 13. Last evaluated: 2025-01-29. Review status: criteria provided, single submitter. Criteria: Invitae Variant Classification Sherloc (09022015). Collection method: clinical testing. Allele origin: germline.
Comment: This variant, c.1234_1236del, results in the deletion of 1 amino acid(s) of the CTNNA3 protein (p.Lys412del), but otherwise preserves the integrity of the reading frame. This variant is not present in population databases (gnomAD no frequency). This variant has not been reported in the literature in individuals affected with CTNNA3-related conditions. Experimental studies and prediction algorithms are not available or were not evaluated, and the functional significance of this variant is currently unknown. In summary, the available evidence is currently insufficient to determine the role of this variant in disease. Therefore, it has been classified as a Variant of Uncertain Significance.

NM_013266.4(CTNNA3):c.1234_1236del (p.Lys412del)

Gene: CTNNA3 (catenin alpha 3; minus strand). Cytogenetic location: 10q21.3.
Variant type: Deletion.
Coding change: c.1234_1236del on transcript NM_013266.4 (MANE Select); coding-DNA positions 1234 to 1236, 3 bases deleted (AAA; older notation c.1234_1236delAAA).
Protein change: p.Lys412del; deletes lysine 412.
Molecular consequence: inframe deletion.
Genome position (GRCh38, 1-based): chr10:66,766,309-66,766,311, TTT deleted on the plus strand (AAA on the coding strand, the reverse complement: CTNNA3 is on the minus strand); deleting any 3 consecutive bases within chr10:66,766,309-66,766,312 gives the same sequence; the c. name uses the placement nearest the transcript's 3' end. VCF-style (leftmost placement, unchanged base first): chr10-66766308-CTTT-C. GRCh37 (hg19) VCF-style: chr10-68526066-CTTT-C.
Other names: c.1234_1236del, p.Lys412del (NM_001127384.3); short protein forms K412del.
Identifiers: ClinVar variation 4708920 (VCV004708920.1).
Genomic context (GRCh38, chr10:66,766,308, plus strand): 5'-GTTCTAGCATGCTTACCTCTACAAGCCTGCTGGTGTGTTCATGAAATATCGCAGCATATT[CTTT>C]TATTTCCTTTTCCCGGCCATTCTTAGCAGCTTCAATGAGAACCAAAAGAGGGACTGTCGT-3'